The following is an entry in ClinVar:

ClinVar aggregate classification (germline): Uncertain significance. Review status: criteria provided, multiple submitters, no conflicts (2 of 4 stars). 2 submissions from 2 submitters: Uncertain significance (2). Last evaluated 2026-07-28.

Conditions:
Hereditary cancer-predisposing syndrome. Also called: Neoplastic Syndromes, Hereditary; Hereditary Cancer Syndrome; Tumor predisposition; Hereditary neoplastic syndrome. Identifiers: Orphanet 140162, MedGen C0027672, MeSH D009386, MONDO:0015356.
Multiple endocrine neoplasia, type 1 (MEN1). Also called: MEN I; WERMER SYNDROME; Endocrine adenomatosis multiple; MEN 1; MEA I. Identifiers: Orphanet 652, MedGen C0025267, MeSH D018761, MONDO:0007540, OMIM 131100.

Submissions (2):

Ambry Genetics
Classification: Uncertain significance for Hereditary cancer-predisposing syndrome. Last evaluated: 2026-07-28. Review status: criteria provided, single submitter. Criteria: Ambry Variant Classification Scheme 2023. Collection method: clinical testing. Allele origin: germline.
Comment: The p.V522A variant (also known as c.1565T>C), located in coding exon 9 of the MEN1 gene, results from a T to C substitution at nucleotide position 1565. The valine at codon 522 is replaced by alanine, an amino acid with similar properties. This amino acid position is not well conserved in available vertebrate species. In addition, this alteration is predicted to be tolerated by in silico analysis. Based on the available evidence, the clinical significance of this variant remains unclear.

Labcorp Genetics (formerly Invitae), Labcorp
Classification: Uncertain significance for Multiple endocrine neoplasia, type 1. Last evaluated: 2025-04-07. Review status: criteria provided, single submitter. Criteria: Invitae Variant Classification Sherloc (09022015). Collection method: clinical testing. Allele origin: germline.
Comment: This sequence change replaces valine, which is neutral and non-polar, with alanine, which is neutral and non-polar, at codon 522 of the MEN1 protein (p.Val522Ala). This variant is not present in population databases (gnomAD no frequency). This variant has not been reported in the literature in individuals affected with MEN1-related conditions. ClinVar contains an entry for this variant (Variation ID: 950142). Invitae Evidence Modeling of protein sequence and biophysical properties (such as structural, functional, and spatial information, amino acid conservation, physicochemical variation, residue mobility, and thermodynamic stability) indicates that this missense variant is not expected to disrupt MEN1 protein function with a negative predictive value of 95%. In summary, the available evidence is currently insufficient to determine the role of this variant in disease. Therefore, it has been classified as a Variant of Uncertain Significance.

NM_001370259.2(MEN1):c.1565T>C (p.Val522Ala)

Gene: MEN1 (menin 1; minus strand). Cytogenetic location: 11q13.1.
Variant type: single nucleotide variant.
Coding change: c.1565T>C on transcript NM_001370259.2 (MANE Select); coding-DNA position 1565, T replaced by C.
Protein change: p.Val522Ala; replaces valine 522 with alanine.
Molecular consequence: missense variant.
Genome position (GRCh38, 1-based): chr11:64,804,602, A>G on the plus strand (T>C on the coding strand, the complement: MEN1 is on the minus strand). VCF-style: chr11-64804602-A-G. GRCh37 (hg19) VCF-style: chr11-64572074-A-G.
Other names: c.1580T>C, p.Val527Ala (NM_130802.3, NM_130803.3, NM_130804.3 and 3 more transcripts); c.1691T>C, p.Val564Ala (NM_001370251.2); c.1565T>C, p.Val522Ala (NM_001370260.2, NM_001370261.2, NM_130799.3); c.1460T>C, p.Val487Ala (NM_001370262.2, NM_001370263.2); short protein forms V564A, V487A, V522A, V527A.
Identifiers: ClinVar variation 950142 (VCV000950142.10), dbSNP rs1592631462, ClinGen allele CA381178459.